The following is an entry in ClinVar:

NM_001371904.1(APOA5):c.53T>C (p.Phe18Ser)

Genes: APOA5 (apolipoprotein A5; minus strand), LOC108491825 (enhancer-blocking element 11-1-2 overlapping APOA5; plus strand). Cytogenetic location: 11q23.3.
Variant type: single nucleotide variant.
Coding change: c.53T>C on transcript NM_001371904.1 (MANE Select); coding-DNA position 53, T replaced by C.
Protein change: p.Phe18Ser; replaces phenylalanine 18 with serine.
Molecular consequence: missense variant.
Genome position (GRCh38, 1-based): chr11:116,791,694, A>G on the plus strand (T>C on the coding strand, the complement: APOA5 is on the minus strand). VCF-style: chr11-116791694-A-G. GRCh37 (hg19) VCF-style: chr11-116662410-A-G.
Other names: c.53T>C, p.Phe18Ser (NM_001166598.2, NM_052968.5); short protein forms F18S.
Identifiers: ClinVar variation 3228882 (VCV003228882.1), dbSNP rs2540246309, ClinGen allele CA382741278.

ClinVar aggregate classification (germline): Uncertain significance (1 of 4 stars; one submission).

Conditions:
Cardiovascular phenotype. Identifiers: MedGen CN230736.

Submission:

Ambry Genetics
Classification: Uncertain significance for Cardiovascular phenotype. Last evaluated: 2024-01-01. Review status: criteria provided, single submitter. Criteria: Ambry Variant Classification Scheme 2023. Collection method: clinical testing. Allele origin: germline.
Comment: The p.F18S variant (also known as c.53T>C), located in coding exon 2 of the APOA5 gene, results from a T to C substitution at nucleotide position 53. The phenylalanine at codon 18 is replaced by serine, an amino acid with highly dissimilar properties. This amino acid position is conserved. In addition, this alteration is predicted to be tolerated by in silico analysis. Since supporting evidence is limited at this time, the clinical significance of this alteration remains unclear.